The following is an entry in ClinVar:

NM_000435.3(NOTCH3):c.4892-34_4892-17del

Gene: NOTCH3 (notch receptor 3; minus strand). Cytogenetic location: 19p13.12.
Variant type: Deletion.
Coding change: c.4892-34_4892-17del on transcript NM_000435.3 (MANE Select); 34 bases into the intron before coding-DNA position 4892 through 17 bases into the intron before coding-DNA position 4892, 18 bases deleted (GGCTGAAGCCCCGCCCTC).
Molecular consequence: intron variant.
Genome position (GRCh38, 1-based): chr19:15,170,570-15,170,587, GAGGGCGGGGCTTCAGCC deleted on the plus strand (GGCTGAAGCCCCGCCCTC on the coding strand, the reverse complement: NOTCH3 is on the minus strand); deleting any 18 consecutive bases within chr19:15,170,570-15,170,600 gives the same sequence; the c. name uses the placement nearest the transcript's 3' end. VCF-style (leftmost placement, unchanged base first): chr19-15170569-AGAGGGCGGGGCTTCAGCC-A. GRCh37 (hg19) VCF-style: chr19-15281380-AGAGGGCGGGGCTTCAGCC-A.
Identifiers: ClinVar variation 4737469 (VCV004737469.1).

ClinVar aggregate classification (germline): Uncertain significance (1 of 4 stars; one submission).

Submission:

Labcorp Genetics (formerly Invitae), Labcorp
Classification: Uncertain significance. Last evaluated: 2025-08-20. Review status: criteria provided, single submitter. Criteria: Invitae Variant Classification Sherloc (09022015). Collection method: clinical testing. Allele origin: germline.
Comment: This sequence change falls in intron 26 of the NOTCH3 gene. It does not directly change the encoded amino acid sequence of the NOTCH3 protein. This variant is not present in population databases (gnomAD no frequency). This variant has not been reported in the literature in individuals affected with NOTCH3-related conditions. Experimental studies and prediction algorithms are not available or were not evaluated, and the effect of this variant on mRNA splicing is currently unknown. In summary, the available evidence is currently insufficient to determine the role of this variant in disease. Therefore, it has been classified as a Variant of Uncertain Significance.